The following is an entry in ClinVar:

NM_002968.3(SALL1):c.361A>G (p.Arg121Gly)

Gene: SALL1 (spalt like transcription factor 1; minus strand). Cytogenetic location: 16q12.1.
Variant type: single nucleotide variant.
Coding change: c.361A>G on transcript NM_002968.3 (MANE Select); coding-DNA position 361, A replaced by G.
Protein change: p.Arg121Gly; replaces arginine 121 with glycine.
Molecular consequence: missense variant.
Genome position (GRCh38, 1-based): chr16:51,141,861, T>C on the plus strand (A>G on the coding strand, the complement: SALL1 is on the minus strand). VCF-style: chr16-51141861-T-C. GRCh37 (hg19) VCF-style: chr16-51175772-T-C.
Other names: c.361A>G (NM_002968.2); c.70A>G, p.Arg24Gly (NM_001127892.2); short protein forms R121G, R24G.
Identifiers: ClinVar variation 499461 (VCV000499461.8), dbSNP rs377440481, ClinGen allele CA8053508.

ClinVar aggregate classification (germline): Uncertain significance. Review status: criteria provided, multiple submitters, no conflicts (2 of 4 stars). 4 submissions from 4 submitters: Uncertain significance (4). Last evaluated 2025-12-17.

Conditions:
Inborn genetic diseases. Identifiers: MedGen C0950123, MeSH D030342.
Townes syndrome (TBS). Also called: Townes-Brocks syndrome. Identifiers: Orphanet 857, MedGen C0265246, MeSH C536974, MONDO:0007142.
Townes-Brocks syndrome 1 (TBS1). Also called: SALL1-Related Townes-Brocks Syndrome; DEAFNESS, SENSORINEURAL, WITH IMPERFORATE ANUS AND THUMB ANOMALIES; REAR SYNDROME; RENAL-EAR-ANAL-RADIAL SYNDROME. Identifiers: Orphanet 857, MedGen C4551481, MONDO:0054581, OMIM 107480.

Allele frequency attached by ClinVar (database versions not stated): ESP Exome Variant Server 0.00008; gnomAD 0.00011; TOPMed 0.00013; 1000 Genomes Project 30x 0.00016; 1000 Genomes Project 0.00020; gnomAD exomes 0.00002 and 0.00005; ExAC 0.00006.

Submissions (4):

Labcorp Genetics (formerly Invitae), Labcorp
Classification: Uncertain significance for Townes syndrome. Last evaluated: 2025-12-17. Review status: criteria provided, single submitter. Criteria: Invitae Variant Classification Sherloc (09022015). Collection method: clinical testing. Allele origin: germline.
Comment: This sequence change replaces arginine, which is basic and polar, with glycine, which is neutral and non-polar, at codon 121 of the SALL1 protein (p.Arg121Gly). This variant is present in population databases (rs377440481, gnomAD 0.06%), and has an allele count higher than expected for a pathogenic variant. This variant has not been reported in the literature in individuals affected with SALL1-related conditions. ClinVar contains an entry for this variant (Variation ID: 499461). Invitae Evidence Modeling of protein sequence and biophysical properties (such as structural, functional, and spatial information, amino acid conservation, physicochemical variation, residue mobility, and thermodynamic stability) indicates that this missense variant is not expected to disrupt SALL1 protein function with a negative predictive value of 80%. In summary, the available evidence is currently insufficient to determine the role of this variant in disease. Therefore, it has been classified as a Variant of Uncertain Significance.

Ambry Genetics
Classification: Uncertain significance for Inborn genetic diseases. Last evaluated: 2024-01-31. Review status: criteria provided, single submitter. Criteria: Ambry Variant Classification Scheme 2023. Collection method: clinical testing. Allele origin: germline.

Fulgent Genetics
Classification: Uncertain significance for Townes-Brocks syndrome 1. Last evaluated: 2021-07-23. Review status: criteria provided, single submitter. Criteria: ACMG Guidelines, 2015. Collection method: clinical testing. Allele origin: unknown.

Eurofins Ntd Llc (ga)
Classification: Uncertain significance. Last evaluated: 2017-01-19. Review status: criteria provided, single submitter. Criteria: EGL Classification Definitions 2015. Collection method: clinical testing. Allele origin: germline. Observed: 1 variant allele, 1 heterozygote.